The following is an entry in ClinVar:

ClinVar aggregate classification (germline): Likely pathogenic (1 of 4 stars; one submission).

Conditions:
Cardiovascular phenotype. Identifiers: MedGen CN230736.
Hereditary cancer-predisposing syndrome. Also called: Tumor predisposition; Hereditary neoplastic syndrome; Neoplastic Syndromes, Hereditary; Hereditary Cancer Syndrome. Identifiers: Orphanet 140162, MedGen C0027672, MeSH D009386, MONDO:0015356.

Submission:

Ambry Genetics
Classification: Likely pathogenic for Cardiovascular phenotype; Hereditary cancer-predisposing syndrome. Last evaluated: 2025-06-11. Review status: criteria provided, single submitter. Criteria: Ambry Variant Classification Scheme 2023. Collection method: clinical testing. Allele origin: germline.
Comment: The c.2325+1delG intronic variant, located in intron 19 of the LZTR1 gene, results from a deletion of one nucleotide within intron 19 of the LZTR1 gene. This variant is considered to be rare based on population cohorts in the Genome Aggregation Database (gnomAD). This nucleotide position is highly conserved in available vertebrate species. In silico splice site analysis predicts that this alteration will weaken the native splice donor site. Alterations that disrupt the canonical splice site are expected to cause aberrant splicing, resulting in an abnormal protein or a transcript that is subject to nonsense-mediated mRNA decay. Loss-of-function variants in LZTR1 are related to an increased risk for schwannomas and autosomal recessive Noonan syndrome; however, such associations with autosomal dominant Noonan syndrome have not been observed (Piotrowski A et al. Nat Genet. 2014 Feb;46:182-7; Yamamoto GL et al. J Med Genet. 2015 Jun;52:413-21; Johnston JJ et al. Genet Med. 2018 10;20:1175-1185). Based on the supporting evidence, this variant is likely pathogenic for an increased risk of LZTR1-related schwannomatosis (SWN) and would be expected to cause autosomal recessive Noonan syndrome when present along with a second pathogenic or likely pathogenic variant on the other allele; however, the association of this alteration with autosomal dominant Noonan syndrome is unlikely.

NM_006767.4(LZTR1):c.2325+1del

Gene: LZTR1 (leucine zipper like post translational regulator 1; plus strand). Cytogenetic location: 22q11.21.
Variant type: Deletion.
Coding change: c.2325+1del on transcript NM_006767.4 (MANE Select); the canonical splice donor site of the intron after coding-DNA position 2325, one base deleted (G; older notation c.2325+1delG).
Molecular consequence: splice donor variant.
Genome position (GRCh38, 1-based): chr22:20,996,802, G deleted; the last of 2 consecutive G bases (chr22:20,996,801-20,996,802); deleting either gives the same sequence. VCF-style (leftmost placement, unchanged base first): chr22-20996800-AG-A. GRCh37 (hg19) VCF-style: chr22-21351089-AG-A.
Identifiers: ClinVar variation 3994098 (VCV003994098.1).